The following is an entry in ClinVar:

ClinVar aggregate classification (germline): Uncertain significance (1 of 4 stars; one submission).

Conditions:
DTNA-related disorder. Also called: DTNA-related condition.

Submission:

PreventionGenetics, part of Exact Sciences
Classification: Uncertain significance for DTNA-related condition. Last evaluated: 2024-12-06. Review status: criteria provided, single submitter. Criteria: ACMG Guidelines, 2015. Collection method: clinical testing. Allele origin: germline.
Comment: The DTNA c.1181A>G variant is predicted to result in the amino acid substitution p.Tyr394Cys. To our knowledge, this variant has not been reported in the literature or in a large population database (gnomAD), indicating this variant is rare. At this time, the clinical significance of this variant is uncertain due to the absence of conclusive functional and genetic evidence.

NM_001386795.1(DTNA):c.1262A>G (p.Tyr421Cys)

Gene: DTNA (dystrobrevin alpha; plus strand). Cytogenetic location: 18q12.1.
Variant type: single nucleotide variant.
Coding change: c.1262A>G on transcript NM_001386795.1 (MANE Select); coding-DNA position 1262, A replaced by G.
Protein change: p.Tyr421Cys; replaces tyrosine 421 with cysteine.
Molecular consequence: missense variant. On other transcripts: intron variant (33).
Genome position (GRCh38, 1-based): chr18:34,838,753, A>G. VCF-style: chr18-34838753-A-G. GRCh37 (hg19) VCF-style: chr18-32418717-A-G.
Other names: c.308A>G, p.Tyr103Cys (NM_001198942.1); c.1262A>G, p.Tyr421Cys (NM_001386788.1); c.1181A>G, p.Tyr394Cys (NM_001390.5, NM_001391.5); c.1172A>G, p.Tyr391Cys (NM_032978.7); c.1095-9543A>G (NM_032975.4, NM_001386761.1, NM_001386762.1 and 1 more transcripts); c.1175+9264A>G (NM_001386754.1, NM_001386755.1, NM_001386760.1 and 5 more transcripts); c.1086-9543A>G (NM_001386763.1, NM_001386764.1, NM_001386768.1 and 13 more transcripts); c.604-13078A>G (NM_001198945.2); and 4 more; short protein forms Y421C, Y103C, Y391C, Y394C.
Identifiers: ClinVar variation 4997024 (VCV004997024.1).